The following is an entry in ClinVar:

ClinVar aggregate classification (germline): Likely benign. Review status: criteria provided, multiple submitters, no conflicts (2 of 4 stars). 6 submissions from 6 submitters: Likely benign (4). 2 of the submissions do not count toward it. Last evaluated 2026-05-01.

Conditions:
Cardiovascular phenotype. Identifiers: MedGen CN230736.
Primary familial hypertrophic cardiomyopathy (HCM). Identifiers: Orphanet 99739, MedGen C0949658, MeSH D024741, MONDO:0024573. Inheritance: Various modes of inheritance.
Dilated cardiomyopathy 1AA (CMD1AA). Also called: CARDIOMYOPATHY, DILATED, 1AA, WITH OR WITHOUT LEFT VENTRICULAR NONCOMPACTION; CARDIOMYOPATHY, FAMILIAL HYPERTROPHIC, 23, WITH OR WITHOUT LEFT VENTRICULAR NONCOMPACTION; Cardiomyopathy, dilated, 1AA, with or without LVNC. Identifiers: Orphanet 154, MedGen C2677338, MONDO:0012808, OMIM 612158.

Allele frequency attached by ClinVar (database versions not stated): ExAC 0.00003; TOPMed 0.00003; gnomAD exomes 0.00004; gnomAD 0.00005; 1000 Genomes Project 30x 0.00016; 1000 Genomes Project 0.00020.
gnomAD v4.1: 74 of 1,614,078 alleles (0.0046%); highest among the groups gnomAD compares: Non-Finnish European, 0.0058%; no homozygotes.

Submissions (6):

CeGaT Center for Human Genetics Tuebingen
Classification: Likely benign. Last evaluated: 2026-05-01. Review status: criteria provided, single submitter. Criteria: CeGaT Center For Human Genetics Tuebingen Variant Classification Criteria Version 2. Collection method: clinical testing. Allele origin: germline. Affected: yes. Observed: 2 variant alleles.
Comment: ACTN2: BP4, BP7

Labcorp Genetics (formerly Invitae), Labcorp
Classification: Likely benign for Primary familial hypertrophic cardiomyopathy; Dilated cardiomyopathy 1AA. Last evaluated: 2026-01-19. Review status: criteria provided, single submitter. Criteria: Invitae Variant Classification Sherloc (09022015). Collection method: clinical testing. Allele origin: germline.

Ambry Genetics
Classification: Likely benign for Cardiovascular phenotype. Last evaluated: 2019-09-24. Review status: criteria provided, single submitter. Criteria: Ambry Variant Classification Scheme 2023. Collection method: clinical testing. Allele origin: germline.

Laboratory for Molecular Medicine, Mass General Brigham Personalized Medicine
Classification: Likely benign. Last evaluated: 2013-03-26. Review status: criteria provided, single submitter. Criteria: LMM Criteria. Collection method: clinical testing. Allele origin: germline. Observed: 1 variant allele.
Comment: Thr495Thr in exon 13 of ACTN2: This variant is not expected to have clinical sig nificance because it does not alter an amino acid residue and is not located wit hin the splice consensus sequence. It has been identified in 1/196 Tuscan chromo somes by the 1000 Genomes Project (dbSNP rs201179281). Thr495Thr in exon 13 of ACTN2 (rs201179281; allele frequency = 1/196)

Clinical Genetics, Academic Medical Center
Classification: Benign. Review status: no assertion criteria provided. Collection method: clinical testing. Allele origin: germline. Affected: yes. Study: VKGL Data-share Consensus. Not counted in ClinVar's aggregate classification.

Joint Genome Diagnostic Labs from Nijmegen and Maastricht, Radboudumc and MUMC+
Classification: Likely benign. Review status: no assertion criteria provided. Collection method: clinical testing. Allele origin: germline. Affected: yes. Study: VKGL Data-share Consensus. Not counted in ClinVar's aggregate classification.

NM_001103.4(ACTN2):c.1485G>A (p.Thr495=)

Gene: ACTN2 (actinin alpha 2; plus strand). Cytogenetic location: 1q43.
Variant type: single nucleotide variant.
Coding change: c.1485G>A on transcript NM_001103.4 (MANE Select); coding-DNA position 1485, G replaced by A.
Protein change: p.Thr495=; no amino-acid change (threonine 495 retained).
Molecular consequence: synonymous variant.
Genome position (GRCh38, 1-based): chr1:236,747,745, G>A. VCF-style: chr1-236747745-G-A. GRCh37 (hg19) VCF-style: chr1-236911045-G-A.
Other names: c.1485G>A, p.Thr495= (NM_001278343.2); c.861G>A, p.Thr287= (NM_001278344.2).
Identifiers: ClinVar variation 178825 (VCV000178825.54), dbSNP rs201179281, ClinGen allele CA183108.
Genomic context (GRCh38, chr1:236,747,745, plus strand): 5'-CGCTGTGAATGTCAATGATCGGTGCCAGAAAATTTGTGACCAGTGGGACCGACTGGGAAC[G>A]CTTACTCAGAAGAGGAGAGAAGCCCTAGAGGTGAAGTATTGAAGCCACTTGTTGACATGA-3'
Protein context (NP_001094.1, residues 485-505): KICDQWDRLG[Thr495=]LTQKRREALE